The following is an entry in ClinVar:

ClinVar aggregate classification (germline): Conflicting classifications of pathogenicity. Review status: criteria provided, conflicting classifications (1 of 4 stars). 2 submissions from 2 submitters: Uncertain significance (1); Likely benign (1). Last evaluated 2024-11-25.

Allele frequency attached by ClinVar (database versions not stated): gnomAD 0.00026; 1000 Genomes Project 0.00080; ExAC 0.00468; TOPMed 0.00009; 1000 Genomes Project 30x 0.00078; gnomAD exomes 0.00094.
gnomAD v4.1: 545 of 700,616 alleles (0.078%); highest among the groups gnomAD compares: South Asian, 0.65%; 3 homozygotes.

Submissions (2):

Blueprint Genetics
Classification: Uncertain significance. Last evaluated: 2024-11-25. Review status: criteria provided, single submitter. Criteria: ACMG Guidelines, 2015. Collection method: clinical testing. Allele origin: germline.

CeGaT Center for Human Genetics Tuebingen
Classification: Likely benign. Last evaluated: 2024-01-01. Review status: criteria provided, single submitter. Criteria: CeGaT Center For Human Genetics Tuebingen Variant Classification Criteria Version 2. Collection method: clinical testing. Allele origin: germline. Affected: yes. Observed: 4 variant alleles.
Comment: TTC7A: BP4, BS2

NM_001288953.2(TTC7A):c.44C>T (p.Ser15Phe)

Genes: MCFD2 (multiple coagulation factor deficiency 2, ER cargo receptor complex subunit; minus strand), TTC7A (tetratricopeptide repeat domain 7A; plus strand). Cytogenetic location: 2p21.
Variant type: single nucleotide variant.
Coding change: c.44C>T on transcript NM_001288953.2; coding-DNA position 44, C replaced by T.
Protein change: p.Ser15Phe; replaces serine 15 with phenylalanine.
Molecular consequence: missense variant. On other transcripts: intron variant (2).
Genome position (GRCh38, 1-based): chr2:46,917,239, C>T. VCF-style: chr2-46917239-C-T. GRCh37 (hg19) VCF-style: chr2-47144378-C-T.
Other names: c.-6-8062G>A (NM_001171508.2); c.93-9270G>A (NM_001171511.3); short protein forms S15F.
Identifiers: ClinVar variation 2498818 (VCV002498818.26), dbSNP rs555979766, ClinGen allele CA1647003.